The following is an entry in ClinVar:

NM_000213.5(ITGB4):c.4902C>G (p.Ser1634=)

Genes: ITGB4 (integrin subunit beta 4; plus strand), GALK1 (galactokinase 1; minus strand). Cytogenetic location: 17q25.1.
Variant type: single nucleotide variant.
Coding change: c.4902C>G on transcript NM_000213.5 (MANE Select); coding-DNA position 4902, C replaced by G.
Protein change: p.Ser1634=; no amino-acid change (serine 1634 retained).
Molecular consequence: synonymous variant. On other transcripts: intron variant (1).
Genome position (GRCh38, 1-based): chr17:75,756,708, C>G. VCF-style: chr17-75756708-C-G. GRCh37 (hg19) VCF-style: chr17-73752789-C-G.
Other names: p.Ser1634=; c.4851C>G, p.Ser1617= (NM_001005619.2); c.4692C>G, p.Ser1564= (NM_001005731.3, NM_001321123.2); c.4542C>G, p.Ser1514= (NM_001438834.1); c.*22+1326G>C (NM_001381985.1).
Identifiers: ClinVar variation 325203 (VCV000325203.16), dbSNP rs57812564, ClinGen allele CA8770371.
Genomic context (GRCh38, chr17:75,756,708, plus strand): 5'-CCCCATCATGCCCACCACCCACCCACAGGCTGATGCTCTTCCTCTACTGCCCCCAGGCTC[C>G]GCCTTCACTTTGAGCACTCCCAGTGCCCCAGGCCCGCTGGTGTTCACTGCCCTGAGCCCA-3'
Protein context (NP_000204.3, residues 1624-1644): PQSPLCPLPG[Ser1634=]AFTLSTPSAP

ClinVar aggregate classification (germline): Benign/Likely benign. Review status: criteria provided, multiple submitters, no conflicts (2 of 4 stars). 5 submissions from 5 submitters: Benign (3); Likely benign (2). Last evaluated 2026-01-31.

Conditions:
Junctional epidermolysis bullosa with pyloric atresia. Also called: EPIDERMOLYSIS BULLOSA, JUNCTIONAL 5B, WITH PYLORIC ATRESIA; Junctional Epidermolysis Bullosa- Pyloric Atresia Syndrome; APLASIA CUTIS CONGENITA WITH GASTROINTESTINAL ATRESIA; CARMI SYNDROME; EB-PA-ACC; ITGB4-Related Epidermolysis Bullosa with Pyloric Atresia. Identifiers: Orphanet 79403, MedGen C5676875, MONDO:0009183, OMIM 226730.

Allele frequency attached by ClinVar (database versions not stated): 1000 Genomes Project 0.00799; 1000 Genomes Project 30x 0.00812; ESP Exome Variant Server 0.00907; TOPMed 0.00945.
gnomAD v4.1: 2,336 of 1,613,434 alleles (0.14%); highest among the groups gnomAD compares: African/African-American, 2.8%; 36 homozygotes.

Submissions (5):

Labcorp Genetics (formerly Invitae), Labcorp
Classification: Benign. Last evaluated: 2026-01-31. Review status: criteria provided, single submitter. Criteria: Invitae Variant Classification Sherloc (09022015). Collection method: clinical testing. Allele origin: germline.

Mayo Clinic Laboratories, Mayo Clinic
Classification: Benign. Last evaluated: 2025-01-06. Review status: criteria provided, single submitter. Criteria: ACMG Guidelines, 2015. Collection method: clinical testing. Allele origin: germline. Observed: 3 variant alleles.
Comment: BS1, BS2, BP4, BP7

GeneDx
Classification: Likely benign. Last evaluated: 2020-03-25. Review status: criteria provided, single submitter. Criteria: GeneDx Variant Classification Process June 2021. Collection method: clinical testing. Allele origin: germline. Affected: yes.

Illumina Laboratory Services, Illumina
Classification: Benign for Junctional epidermolysis bullosa with pyloric atresia. Last evaluated: 2018-01-12. Review status: criteria provided, single submitter. Criteria: ICSL Variant Classification Criteria 13 December 2019. Collection method: clinical testing. Allele origin: germline.
Comment: This variant was observed in the ICSL laboratory as part of a predisposition screen in an ostensibly healthy population. It had not been previously curated by ICSL or reported in the Human Gene Mutation Database (HGMD: prior to June 1st, 2018), and was therefore a candidate for classification through an automated scoring system. Utilizing variant allele frequency, disease prevalence and penetrance estimates, and inheritance mode, an automated score was calculated to assess if this variant is too frequent to cause the disease. Based on the score and internal cut-off values, a variant classified as benign is not then subjected to further curation. The score for this variant resulted in a classification of benign for this disease.

Breakthrough Genomics
Classification: Likely benign. Review status: criteria provided, single submitter. Criteria: ACMG Guidelines, 2015. Collection method: not provided. Allele origin: germline. Inheritance: Autosomal recessive inheritance. Affected: yes.